The following is an entry in ClinVar:

NM_015192.4(PLCB1):c.446A>T (p.Asp149Val)

Gene: PLCB1 (phospholipase C beta 1; plus strand). Cytogenetic location: 20p12.3.
Variant type: single nucleotide variant.
Coding change: c.446A>T on transcript NM_015192.4 (MANE Select); coding-DNA position 446, A replaced by T.
Protein change: p.Asp149Val; replaces aspartic acid 149 with valine.
Molecular consequence: missense variant.
Genome position (GRCh38, 1-based): chr20:8,646,163, A>T. VCF-style: chr20-8646163-A-T. GRCh37 (hg19) VCF-style: chr20-8626810-A-T.
Other names: c.446A>T, p.Asp149Val (NM_182734.3); short protein forms D149V.
Identifiers: ClinVar variation 1523523 (VCV001523523.6), dbSNP rs2123285994, ClinGen allele CA408262512.

ClinVar aggregate classification (germline): Uncertain significance (1 of 4 stars; one submission).

Conditions:
Developmental and epileptic encephalopathy, 12 (DEE12). Identifiers: MedGen C3150988, MONDO:0013389, OMIM 613722.

gnomAD v4.1: 1 of 1,612,526 alleles (0.000062%); no homozygotes.

Submission:

Labcorp Genetics (formerly Invitae), Labcorp
Classification: Uncertain significance for Developmental and epileptic encephalopathy, 12. Last evaluated: 2021-12-15. Review status: criteria provided, single submitter. Criteria: Invitae Variant Classification Sherloc (09022015). Collection method: clinical testing. Allele origin: germline.
Comment: In summary, the available evidence is currently insufficient to determine the role of this variant in disease. Therefore, it has been classified as a Variant of Uncertain Significance. Algorithms developed to predict the effect of missense changes on protein structure and function (SIFT, PolyPhen-2, Align-GVGD) all suggest that this variant is likely to be tolerated. This variant has not been reported in the literature in individuals affected with PLCB1-related conditions. This variant is not present in population databases (gnomAD no frequency). This sequence change replaces aspartic acid, which is acidic and polar, with valine, which is neutral and non-polar, at codon 149 of the PLCB1 protein (p.Asp149Val).